The following is an entry in ClinVar:

ClinVar aggregate classification (germline): Pathogenic (1 of 4 stars; one submission).

Submission:

Labcorp Genetics (formerly Invitae), Labcorp
Classification: Pathogenic. Last evaluated: 2022-04-14. Review status: criteria provided, single submitter. Criteria: Invitae Variant Classification Sherloc (09022015). Collection method: clinical testing. Allele origin: germline.
Comment: This variant is a gross deletion of the genomic region encompassing exon(s) 4-5 of the LPL gene. This deletion is out-of-frame, and is expected to create a premature termination codon and result in an absent or disrupted protein product. Loss-of-function variants in LPL are known to be pathogenic (PMID: 11334614). This variant has not been reported in the literature in individuals affected with LPL-related conditions. For these reasons, this variant has been classified as Pathogenic.

Literature cited by the submitters: PubMed 11334614.

NC_000008.10:g.(?_19810811)_(19811874_?)del

Gene: LPL (lipoprotein lipase; plus strand). Cytogenetic location: 8p21.3.
Variant type: Deletion.
Identifiers: ClinVar variation 1076886 (VCV001076886.6).